The following is an entry in ClinVar:

NM_000603.5(NOS3):c.2207G>A (p.Arg736Gln)

Gene: NOS3 (nitric oxide synthase 3; plus strand). Cytogenetic location: 7q36.1.
Variant type: single nucleotide variant.
Coding change: c.2207G>A on transcript NM_000603.5 (MANE Select); coding-DNA position 2207, G replaced by A.
Protein change: p.Arg736Gln; replaces arginine 736 with glutamine.
Molecular consequence: missense variant.
Genome position (GRCh38, 1-based): chr7:151,009,024, G>A. VCF-style: chr7-151009024-G-A. GRCh37 (hg19) VCF-style: chr7-150706112-G-A.
Other names: short protein forms R736Q.
Identifiers: ClinVar variation 3768748 (VCV003768748.1).

ClinVar aggregate classification (germline): Likely benign (1 of 4 stars; one submission).

Submission:

Women's Health and Genetics/Laboratory Corporation of America, LabCorp
Classification: Likely benign. Last evaluated: 2025-02-05. Review status: criteria provided, single submitter. Criteria: LabCorp Variant Classification Summary - May 2015. Collection method: clinical testing. Allele origin: germline.
Comment: Variant summary: NOS3 c.2207G>A (p.Arg736Gln) results in a conservative amino acid change located in the Riboflavin synthase domain-like (IPR017938) of the encoded protein sequence. Three of five in-silico tools predict a damaging effect of the variant on protein function. The variant allele was found at a frequency of 9e-05 in 244632 control chromosomes, predominantly at a frequency of 0.0012 within the East Asian subpopulation in the gnomAD database. The observed variant frequency within East Asian control individuals in the gnomAD database exceeds the estimated maximal expected allele frequency for a pathogenic variant in NOS3 causing NOS3-Related Disorders phenotype. c.2207G>A has been reported in the literature in an individual with Meniere's disease who was also found to carry a variant in the PTPN22 gene, c.829G>T (p.Glu277*), without strong evidence of causality for either of these variants. These report(s) do not provide unequivocal conclusions about association of the variant with NOS3-Related Disorders. To our knowledge, no experimental evidence demonstrating an impact on protein function has been reported. The following publication have been ascertained in the context of this evaluation (PMID: 32038468). No submitters have cited clinical-significance assessments for this variant to ClinVar. Based on the evidence outlined above, the variant was classified as likely benign.

Literature cited by the submitters: PubMed 32038468.